The following is an entry in ClinVar:

ClinVar aggregate classification (germline): Uncertain significance (1 of 4 stars; one submission).

gnomAD v4.1: 8 of 1,613,818 alleles (0.0005%); highest among the groups gnomAD compares: Non-Finnish European, 0.00068%; no homozygotes.

Submission:

Labcorp Genetics (formerly Invitae), Labcorp
Classification: Uncertain significance. Last evaluated: 2024-01-07. Review status: criteria provided, single submitter. Criteria: Invitae Variant Classification Sherloc (09022015). Collection method: clinical testing. Allele origin: germline.
Comment: This sequence change replaces arginine, which is basic and polar, with isoleucine, which is neutral and non-polar, at codon 1187 of the HMCN1 protein (p.Arg1187Ile). This variant is not present in population databases (gnomAD no frequency). This variant has not been reported in the literature in individuals affected with HMCN1-related conditions. An algorithm developed to predict the effect of missense changes on protein structure and function (PolyPhen-2) suggests that this variant is likely to be disruptive. In summary, the available evidence is currently insufficient to determine the role of this variant in disease. Therefore, it has been classified as a Variant of Uncertain Significance.

NM_031935.3(HMCN1):c.3560G>T (p.Arg1187Ile)

Gene: HMCN1 (hemicentin 1; plus strand). Cytogenetic location: 1q31.1.
Variant type: single nucleotide variant.
Coding change: c.3560G>T on transcript NM_031935.3 (MANE Select); coding-DNA position 3560, G replaced by T.
Protein change: p.Arg1187Ile; replaces arginine 1187 with isoleucine.
Molecular consequence: missense variant.
Genome position (GRCh38, 1-based): chr1:185,994,869, G>T. VCF-style: chr1-185994869-G-T. GRCh37 (hg19) VCF-style: chr1-185964001-G-T.
Other names: short protein forms R1187I.
Identifiers: ClinVar variation 2875914 (VCV002875914.3), dbSNP rs781319162, ClinGen allele CA343870887.